The following is an entry in ClinVar:

ClinVar aggregate classification (germline): Uncertain significance (1 of 4 stars; one submission).

Conditions:
Cardiovascular phenotype. Identifiers: MedGen CN230736.

Allele frequency attached by ClinVar (database versions not stated): TOPMed below 0.00001; gnomAD 0.00001; ExAC 0.00002; gnomAD exomes 0.00002; 1000 Genomes Project 0.00020; 1000 Genomes Project 30x 0.00031.
gnomAD v4.1: 14 of 1,612,816 alleles (0.00087%); highest among the groups gnomAD compares: South Asian, 0.0088%; no homozygotes.

Submission:

Ambry Genetics
Classification: Uncertain significance for Cardiovascular phenotype. Last evaluated: 2023-03-13. Review status: criteria provided, single submitter. Criteria: Ambry Variant Classification Scheme 2023. Collection method: clinical testing. Allele origin: germline.
Comment: The c.5091+4G>A intronic variant results from a G to A substitution 4 nucleotides after coding exon 35 in the LAMA4 gene. This nucleotide position is poorly conserved in available vertebrate species. In silico splice site analysis predicts that this alteration will not have any significant effect on splicing. The evidence for this gene-disease relationship is limited; therefore, the clinical significance of this alteration is unclear.

NM_001105206.3(LAMA4):c.5112+4G>A

Gene: LAMA4 (laminin subunit alpha 4; minus strand). Cytogenetic location: 6q21.
Variant type: single nucleotide variant.
Coding change: c.5112+4G>A on transcript NM_001105206.3 (MANE Select); 4 bases into the intron after coding-DNA position 5112, G replaced by A.
Molecular consequence: intron variant.
Genome position (GRCh38, 1-based): chr6:112,115,859, C>T on the plus strand (G>A on the coding strand, the complement: LAMA4 is on the minus strand). VCF-style: chr6-112115859-C-T. GRCh37 (hg19) VCF-style: chr6-112437062-C-T.
Other names: c.5091+4G>A (NM_002290.5, NM_001105207.3).
Identifiers: ClinVar variation 2447570 (VCV002447570.2), dbSNP rs587640001, ClinGen allele CA3964825.